The following is an entry in ClinVar:

NM_004738.5(VAPB):c.601A>T (p.Thr201Ser)

Gene: VAPB (VAMP associated protein B and C; plus strand). Cytogenetic location: 20q13.32.
Variant type: single nucleotide variant.
Coding change: c.601A>T on transcript NM_004738.5 (MANE Select); coding-DNA position 601, A replaced by T.
Protein change: p.Thr201Ser; replaces threonine 201 with serine.
Molecular consequence: missense variant. On other transcripts: non-coding transcript variant (1).
Genome position (GRCh38, 1-based): chr20:58,444,104, A>T. VCF-style: chr20-58444104-A-T. GRCh37 (hg19) VCF-style: chr20-57019160-A-T.
Other names: c.239A>T, p.Asp80Val (NM_001195677.2); short protein forms T201S, D80V.
Identifiers: ClinVar variation 1514067 (VCV001514067.10), dbSNP rs757786343, ClinGen allele CA409440116.

ClinVar aggregate classification (germline): Uncertain significance (1 of 4 stars; one submission).

Conditions:
Amyotrophic lateral sclerosis type 8 (ALS8). Identifiers: Orphanet 803, MedGen C1837728, MONDO:0012077, OMIM 608627.
Adult-onset proximal spinal muscular atrophy, autosomal dominant. Also called: Spinal muscular atrophy, late-onset, finkel type; FINKEL LATE-ADULT TYPE SMA. Identifiers: Orphanet 209335, MedGen C1854058, MONDO:0008453, OMIM 182980.

gnomAD v4.1: 1 of 1,614,222 alleles (0.000062%); highest among the groups gnomAD compares: East Asian, 0.0022%; no homozygotes.

Submission:

Labcorp Genetics (formerly Invitae), Labcorp
Classification: Uncertain significance for Adult-onset proximal spinal muscular atrophy, autosomal dominant; Amyotrophic lateral sclerosis type 8. Last evaluated: 2025-07-20. Review status: criteria provided, single submitter. Criteria: Invitae Variant Classification Sherloc (09022015). Collection method: clinical testing. Allele origin: germline.
Comment: This sequence change replaces threonine, which is neutral and polar, with serine, which is neutral and polar, at codon 201 of the VAPB protein (p.Thr201Ser). This variant is present in population databases (no rsID available, gnomAD 0.006%). This variant has not been reported in the literature in individuals affected with VAPB-related conditions. ClinVar contains an entry for this variant (Variation ID: 1514067). Invitae Evidence Modeling of protein sequence and biophysical properties (such as structural, functional, and spatial information, amino acid conservation, physicochemical variation, residue mobility, and thermodynamic stability) indicates that this missense variant is not expected to disrupt VAPB protein function with a negative predictive value of 80%. In summary, the available evidence is currently insufficient to determine the role of this variant in disease. Therefore, it has been classified as a Variant of Uncertain Significance.